The following is an entry in ClinVar:

NM_024105.4(ALG12):c.1033T>C (p.Ser345Pro)

Gene: ALG12 (ALG12 alpha-1,6-mannosyltransferase; minus strand). Cytogenetic location: 22q13.33.
Variant type: single nucleotide variant.
Coding change: c.1033T>C on transcript NM_024105.4 (MANE Select); coding-DNA position 1033, T replaced by C.
Protein change: p.Ser345Pro; replaces serine 345 with proline.
Molecular consequence: missense variant.
Genome position (GRCh38, 1-based): chr22:49,904,466, A>G on the plus strand (T>C on the coding strand, the complement: ALG12 is on the minus strand). VCF-style: chr22-49904466-A-G. GRCh37 (hg19) VCF-style: chr22-50298114-A-G.
Other names: short protein forms S345P.
Identifiers: ClinVar variation 1382377 (VCV001382377.6), dbSNP rs2147580574, ClinGen allele CA412072435.

ClinVar aggregate classification (germline): Uncertain significance (1 of 4 stars; one submission).

Conditions:
ALG12-congenital disorder of glycosylation (CDG1G). Also called: ALG12-CDG; CDG Ig; Congenital disorder of glycosylation, type Ig. Identifiers: Orphanet 79324, MedGen C2931001, MONDO:0011783, OMIM 607143.

Submission:

Labcorp Genetics (formerly Invitae), Labcorp
Classification: Uncertain significance for ALG12-congenital disorder of glycosylation. Last evaluated: 2021-09-03. Review status: criteria provided, single submitter. Criteria: Invitae Variant Classification Sherloc (09022015). Collection method: clinical testing. Allele origin: germline.
Comment: This sequence change replaces serine with proline at codon 345 of the ALG12 protein (p.Ser345Pro). The serine residue is moderately conserved and there is a moderate physicochemical difference between serine and proline. This variant is not present in population databases (ExAC no frequency). This variant has not been reported in the literature in individuals affected with ALG12-related conditions. Algorithms developed to predict the effect of missense changes on protein structure and function are either unavailable or do not agree on the potential impact of this missense change (SIFT: "Tolerated"; PolyPhen-2: "Possibly Damaging"; Align-GVGD: "Class C0"). In summary, the available evidence is currently insufficient to determine the role of this variant in disease. Therefore, it has been classified as a Variant of Uncertain Significance.